The following is an entry in ClinVar:

NM_000548.5(TSC2):c.4794C>T (p.Asp1598=)

Gene: TSC2 (TSC complex subunit 2; plus strand). Cytogenetic location: 16p13.3.
Variant type: single nucleotide variant.
Coding change: c.4794C>T on transcript NM_000548.5 (MANE Select); coding-DNA position 4794, C replaced by T.
Protein change: p.Asp1598=; no amino-acid change (aspartic acid 1598 retained).
Molecular consequence: synonymous variant.
Genome position (GRCh38, 1-based): chr16:2,086,324, C>T. VCF-style: chr16-2086324-C-T. GRCh37 (hg19) VCF-style: chr16-2136325-C-T.
Other names: c.4593C>T, p.Asp1531= (NM_001077183.3); c.4725C>T, p.Asp1575= (NM_001114382.3); c.4485C>T, p.Asp1495= (NM_001318827.2); c.4449C>T, p.Asp1483= (NM_001318829.2); c.4062C>T, p.Asp1354= (NM_001318831.2); c.4626C>T, p.Asp1542= (NM_001318832.2); c.4596C>T, p.Asp1532= (NM_001363528.2); c.4662C>T, p.Asp1554= (NM_001370404.1); and 2 more.
Identifiers: ClinVar variation 468111 (VCV000468111.36), dbSNP rs548102930, ClinGen allele CA052457.

ClinVar aggregate classification (germline): Benign/Likely benign. Review status: criteria provided, multiple submitters, no conflicts (2 of 4 stars). 9 submissions from 9 submitters: Benign (3); Likely benign (5). 1 of the submissions does not count toward it. Last evaluated 2026-10-01.

Conditions:
TSC2-related disorder. Also called: TSC2-Related Disorders; TSC2-related condition.
Hereditary cancer-predisposing syndrome. Also called: Hereditary neoplastic syndrome; Tumor predisposition; Neoplastic Syndromes, Hereditary; Hereditary Cancer Syndrome. Identifiers: Orphanet 140162, MedGen C0027672, MeSH D009386, MONDO:0015356.
Tuberous sclerosis syndrome (TSC). Also called: Tuberous Sclerosis Complex; Tuberous sclerosis. Identifiers: Orphanet 805, MedGen C0041341, MONDO:0001734.
Tuberous sclerosis 2 (TSC2). Identifiers: Orphanet 805, MedGen C1860707, MONDO:0013199, OMIM 613254.

Allele frequency attached by ClinVar (database versions not stated): gnomAD 0.00001 and 0.00006; gnomAD exomes 0.00001 and 0.00002; TOPMed 0.00002; ExAC 0.00003; 1000 Genomes Project 30x 0.00016; 1000 Genomes Project 0.00020.
gnomAD v4.1: 24 of 1,612,938 alleles (0.0015%); highest among the groups gnomAD compares: Admixed American, 0.0033%; no homozygotes.

Submissions (9):

CeGaT Center for Human Genetics Tuebingen
Classification: Likely benign. Last evaluated: 2026-10-01. Review status: criteria provided, single submitter. Criteria: CeGaT Center For Human Genetics Tuebingen Variant Classification Criteria Version 2. Collection method: clinical testing. Allele origin: germline. Affected: yes. Observed: 3 variant alleles.
Comment: TSC2: BP4, BP7

Labcorp Genetics (formerly Invitae), Labcorp
Classification: Benign for Tuberous sclerosis 2. Last evaluated: 2025-12-24. Review status: criteria provided, single submitter. Criteria: Invitae Variant Classification Sherloc (09022015). Collection method: clinical testing. Allele origin: germline.

Myriad Genetics, Inc.
Classification: Benign for Tuberous sclerosis 2. Last evaluated: 2025-06-05. Review status: criteria provided, single submitter. Criteria: Myriad Autosomal Dominant, Autosomal Recessive and X-Linked Classification Criteria (2023). Collection method: clinical testing. Allele origin: unknown.
Comment: This variant is considered benign. This variant is a silent/synonymous amino acid change and it is not expected to impact splicing.

All of Us Research Program, National Institutes of Health
Classification: Likely benign for Tuberous sclerosis syndrome. Last evaluated: 2023-11-30. Review status: criteria provided, single submitter. Criteria: ACMG Guidelines, 2015. Collection method: clinical testing. Allele origin: germline. Inheritance: Autosomal dominant inheritance. Observed: 7 variant alleles, 7 heterozygotes.
Comment: This study involves interpretation of variants in research participants for the purpose of population health screening. Participant phenotype was not available at the time of variant classification. Additional details can be found in publication PMID: 35346344, PMCID: PMC8962531

Blueprint Genetics
Classification: Likely benign. Last evaluated: 2022-11-18. Review status: criteria provided, single submitter. Criteria: ACMG Guidelines, 2015. Collection method: clinical testing. Allele origin: germline.

Genome-Nilou Lab
Classification: Benign for Tuberous sclerosis 2. Last evaluated: 2021-11-07. Review status: criteria provided, single submitter. Criteria: ACMG Guidelines, 2015. Collection method: clinical testing. Allele origin: germline. Affected: no.

Sema4
Classification: Likely benign for Hereditary cancer-predisposing syndrome. Last evaluated: 2021-10-18. Review status: criteria provided, single submitter. Criteria: Sema4 Curation Guidelines. Collection method: curation. Allele origin: germline.

Ambry Genetics
Classification: Likely benign for Hereditary cancer-predisposing syndrome. Last evaluated: 2019-09-04. Review status: criteria provided, single submitter. Criteria: Ambry Variant Classification Scheme 2023. Collection method: clinical testing. Allele origin: germline.

PreventionGenetics, part of Exact Sciences
Classification: Likely benign for TSC2-related condition. Last evaluated: 2020-09-03. Review status: no assertion criteria provided. Collection method: clinical testing. Allele origin: germline. Not counted in ClinVar's aggregate classification.
Comment: This variant is classified as likely benign based on ACMG/AMP sequence variant interpretation guidelines (Richards et al. 2015 PMID: 25741868, with internal and published modifications).